The following is an entry in ClinVar:

NM_000632.4(ITGAM):c.146G>C (p.Gly49Ala)

Genes: ITGAM (integrin subunit alpha M; plus strand), LOC126862331 (P300/CBP strongly-dependent group 1 enhancer GRCh37_chr16:31276375-31277574; plus strand). Cytogenetic location: 16p11.2.
Variant type: single nucleotide variant.
Coding change: c.146G>C on transcript NM_000632.4 (MANE Select); coding-DNA position 146, G replaced by C.
Protein change: p.Gly49Ala; replaces glycine 49 with alanine.
Molecular consequence: missense variant.
Genome position (GRCh38, 1-based): chr16:31,265,406, G>C. VCF-style: chr16-31265406-G-C. GRCh37 (hg19) VCF-style: chr16-31276727-G-C.
Other names: c.146G>C, p.Gly49Ala (NM_001145808.2); short protein forms G49A.
Identifiers: ClinVar variation 1467725 (VCV001467725.8), dbSNP rs1487400955, ClinGen allele CA395682476.
Genomic context (GRCh38, chr16:31,265,406, plus strand): 5'-TTCTCTCCCCACATGTCGAAGTTTTCTCTGTTCCCACTTCTCCCCACAGGGTGGTGGTTG[G>C]AGCCCCCCAGGAGATAGTGGCTGCCAACCAAAGGGGCAGCCTCTACCAGTGCGACTACAG-3'
Protein context (NP_000623.2, residues 39-59): VQLQGSRVVV[Gly49Ala]APQEIVAANQ

ClinVar aggregate classification (germline): Uncertain significance (1 of 4 stars; one submission).

gnomAD v4.1: 3 of 1,600,944 alleles (0.00019%); highest among the groups gnomAD compares: Middle Eastern, 0.033%; no homozygotes.

Submission:

Labcorp Genetics (formerly Invitae), Labcorp
Classification: Uncertain significance. Last evaluated: 2022-03-03. Review status: criteria provided, single submitter. Criteria: Invitae Variant Classification Sherloc (09022015). Collection method: clinical testing. Allele origin: germline.
Comment: In summary, the available evidence is currently insufficient to determine the role of this variant in disease. Therefore, it has been classified as a Variant of Uncertain Significance. Algorithms developed to predict the effect of missense changes on protein structure and function output the following: SIFT: "Tolerated"; PolyPhen-2: "Benign"; Align-GVGD: "Class C0". The alanine amino acid residue is found in multiple mammalian species, which suggests that this missense change does not adversely affect protein function. This variant has not been reported in the literature in individuals affected with ITGAM-related conditions. This variant is not present in population databases (gnomAD no frequency). This sequence change replaces glycine, which is neutral and non-polar, with alanine, which is neutral and non-polar, at codon 49 of the ITGAM protein (p.Gly49Ala).